The following is an entry in ClinVar:

NM_013436.5(NCKAP1):c.699C>G (p.Ile233Met)

Gene: NCKAP1 (NCK associated protein 1; minus strand). Cytogenetic location: 2q32.1.
Variant type: single nucleotide variant.
Coding change: c.699C>G on transcript NM_013436.5 (MANE Select); coding-DNA position 699, C replaced by G.
Protein change: p.Ile233Met; replaces isoleucine 233 with methionine.
Molecular consequence: missense variant.
Genome position (GRCh38, 1-based): chr2:182,995,743, G>C on the plus strand (C>G on the coding strand, the complement: NCKAP1 is on the minus strand). VCF-style: chr2-182995743-G-C. GRCh37 (hg19) VCF-style: chr2-183860471-G-C.
Other names: c.717C>G, p.Ile239Met (NM_205842.3); short protein forms I233M, I239M.
Identifiers: ClinVar variation 3369095 (VCV003369095.1).

ClinVar aggregate classification (germline): Uncertain significance (1 of 4 stars; one submission).

gnomAD v4.1: 1 of 1,613,908 alleles (0.000062%); highest among the groups gnomAD compares: Middle Eastern, 0.017%; no homozygotes.

Submission:

GeneDx
Classification: Uncertain significance. Last evaluated: 2024-02-09. Review status: criteria provided, single submitter. Criteria: GeneDx Variant Classification Process June 2021. Collection method: clinical testing. Allele origin: germline. Affected: yes.
Comment: Not observed at significant frequency in large population cohorts (gnomAD); In silico analysis supports that this missense variant does not alter protein structure/function; Has not been previously published as pathogenic or benign to our knowledge